The following is an entry in ClinVar:

ClinVar aggregate classification (germline): Conflicting classifications of pathogenicity. Review status: criteria provided, conflicting classifications (1 of 4 stars). 3 submissions from 3 submitters: Uncertain significance (1); Likely benign (2). Last evaluated 2026-03-01.

Conditions:
Ritscher-Schinzel syndrome. Also called: CRANIOCEREBELLOCARDIAC DYSPLASIA. Identifiers: Orphanet 7, MedGen C0796137, MONDO:0019078.
Hereditary spastic paraplegia 8 (SPG8). Also called: SPASTIC PARAPLEGIA 8, AUTOSOMAL DOMINANT. Identifiers: Orphanet 100989, MedGen C1863704, MONDO:0011339, OMIM 603563.

Allele frequency attached by ClinVar (database versions not stated): gnomAD 0.00001 and 0.00002; gnomAD exomes 0.00002 and 0.00003; TOPMed 0.00004; ExAC 0.00005; 1000 Genomes Project 30x 0.00016; 1000 Genomes Project 0.00020.
gnomAD v4.1: 36 of 1,609,778 alleles (0.0022%); highest among the groups gnomAD compares: Admixed American, 0.01%; no homozygotes.

Submissions (3):

CeGaT Center for Human Genetics Tuebingen
Classification: Likely benign. Last evaluated: 2026-03-01. Review status: criteria provided, single submitter. Criteria: CeGaT Center For Human Genetics Tuebingen Variant Classification Criteria Version 2. Collection method: clinical testing. Allele origin: germline. Affected: yes. Observed: 1 variant allele.
Comment: WASHC5: BP4, BP7

Mayo Clinic Laboratories, Mayo Clinic
Classification: Likely benign. Last evaluated: 2025-02-17. Review status: criteria provided, single submitter. Criteria: ACMG Guidelines, 2015. Collection method: clinical testing. Allele origin: germline. Observed: 1 variant allele.
Comment: BP4, BP7

Labcorp Genetics (formerly Invitae), Labcorp
Classification: Uncertain significance for Ritscher-Schinzel syndrome; Hereditary spastic paraplegia 8. Last evaluated: 2025-02-15. Review status: criteria provided, single submitter. Criteria: Invitae Variant Classification Sherloc (09022015). Collection method: clinical testing. Allele origin: germline.
Comment: This sequence change affects codon 923 of the WASHC5 mRNA. It is a 'silent' change, meaning that it does not change the encoded amino acid sequence of the WASHC5 protein. It affects a nucleotide within the consensus splice site. This variant is present in population databases (rs545318648, gnomAD 0.01%). This variant has not been reported in the literature in individuals affected with WASHC5-related conditions. ClinVar contains an entry for this variant (Variation ID: 581292). Algorithms developed to predict the effect of sequence changes on RNA splicing suggest that this variant is not likely to affect RNA splicing. In summary, the available evidence is currently insufficient to determine the role of this variant in disease. Therefore, it has been classified as a Variant of Uncertain Significance.

NM_014846.4(WASHC5):c.2769C>T (p.Val923=)

Genes: WASHC5 (WASH complex subunit 5; minus strand), WASHC5-AS1 (WASHC5 antisense RNA 1; plus strand). Cytogenetic location: 8q24.13.
Variant type: single nucleotide variant.
Coding change: c.2769C>T on transcript NM_014846.4 (MANE Select); coding-DNA position 2769, C replaced by T.
Protein change: p.Val923=; no amino-acid change (valine 923 retained).
Molecular consequence: synonymous variant.
Genome position (GRCh38, 1-based): chr8:125,043,993, G>A on the plus strand (C>T on the coding strand, the complement: WASHC5 is on the minus strand). VCF-style: chr8-125043993-G-A. GRCh37 (hg19) VCF-style: chr8-126056235-G-A.
Other names: p.Val923=; c.2325C>T, p.Val775= (NM_001330609.2).
Identifiers: ClinVar variation 581292 (VCV000581292.10), dbSNP rs545318648, ClinGen allele CA4873449.